The following is an entry in ClinVar:

NM_002693.3(POLG):c.2647G>A (p.Gly883Ser)

Gene: POLG (DNA polymerase gamma, catalytic subunit; minus strand). Cytogenetic location: 15q26.1.
Variant type: single nucleotide variant.
Coding change: c.2647G>A on transcript NM_002693.3 (MANE Select); coding-DNA position 2647, G replaced by A.
Protein change: p.Gly883Ser; replaces glycine 883 with serine.
Molecular consequence: missense variant.
Genome position (GRCh38, 1-based): chr15:89,321,212, C>T on the plus strand (G>A on the coding strand, the complement: POLG is on the minus strand). VCF-style: chr15-89321212-C-T. GRCh37 (hg19) VCF-style: chr15-89864443-C-T.
Other names: c.2647G>A, p.Gly883Ser (NM_001126131.2); short protein forms G883S.
Identifiers: ClinVar variation 1794266 (VCV001794266.2), dbSNP rs2509219168, ClinGen allele CA393753796.

ClinVar aggregate classification (germline): Uncertain significance (1 of 4 stars; one submission).

Conditions:
Inborn genetic diseases. Identifiers: MedGen C0950123, MeSH D030342.

Submission:

Ambry Genetics
Classification: Uncertain significance for Inborn genetic diseases. Last evaluated: 2017-06-13. Review status: criteria provided, single submitter. Criteria: Ambry Variant Classification Scheme 2023. Collection method: clinical testing. Allele origin: germline.
Comment: The p.G883S variant (also known as c.2647G>A), located in coding exon 16 of the POLG gene, results from a G to A substitution at nucleotide position 2647. The glycine at codon 883 is replaced by serine, an amino acid with similar properties. This amino acid position is highly conserved in available vertebrate species. In addition, this alteration is predicted to be deleterious by in silico analysis. Since supporting evidence is limited at this time, the clinical significance of this alteration remains unclear.